The following is an entry in ClinVar:

NM_032119.4(ADGRV1):c.10244del (p.Lys3415fs)

Gene: ADGRV1 (adhesion G protein-coupled receptor V1; plus strand). Cytogenetic location: 5q14.3.
Variant type: Deletion.
Coding change: c.10244del on transcript NM_032119.4 (MANE Select); coding-DNA position 10244, one base deleted (A; older notation c.10244delA).
Protein change: p.Lys3415fs; shifts the reading frame from lysine 3415.
Molecular consequence: frameshift variant. On other transcripts: non-coding transcript variant (1).
Genome position (GRCh38, 1-based): chr5:90,728,751, A deleted; the last of 2 consecutive A bases (chr5:90,728,750-90,728,751); deleting either gives the same sequence. VCF-style (leftmost placement, unchanged base first): chr5-90728749-CA-C. GRCh37 (hg19) VCF-style: chr5-90024566-CA-C.
Other names: short protein forms K3415fs.
Identifiers: ClinVar variation 2765093 (VCV002765093.3), dbSNP rs2531366212, ClinGen allele CA2697546238.

ClinVar aggregate classification (germline): Pathogenic (1 of 4 stars; one submission).

Submission:

Labcorp Genetics (formerly Invitae), Labcorp
Classification: Pathogenic. Last evaluated: 2023-10-04. Review status: criteria provided, single submitter. Criteria: Invitae Variant Classification Sherloc (09022015). Collection method: clinical testing. Allele origin: germline.
Comment: This sequence change creates a premature translational stop signal (p.Lys3415Argfs*7) in the ADGRV1 gene. It is expected to result in an absent or disrupted protein product. Loss-of-function variants in ADGRV1 are known to be pathogenic (PMID: 19357117, 22135276, 22147658, 26226137, 30718709, 31047384, 32467589). This variant is not present in population databases (gnomAD no frequency). This variant has not been reported in the literature in individuals affected with ADGRV1-related conditions. For these reasons, this variant has been classified as Pathogenic.

Literature cited by the submitters: PubMed 19357117; PubMed 22135276; PubMed 22147658; PubMed 26226137; PubMed 30718709; PubMed 31047384; PubMed 32467589.